The following is an entry in ClinVar:

NM_000400.4(ERCC2):c.1177G>T (p.Asp393Tyr)

Gene: ERCC2 (ERCC excision repair 2, TFIIH core complex helicase subunit; minus strand). Cytogenetic location: 19q13.32.
Variant type: single nucleotide variant.
Coding change: c.1177G>T on transcript NM_000400.4 (MANE Select); coding-DNA position 1177, G replaced by T.
Protein change: p.Asp393Tyr; replaces aspartic acid 393 with tyrosine.
Molecular consequence: missense variant.
Genome position (GRCh38, 1-based): chr19:45,361,584, C>A on the plus strand (G>T on the coding strand, the complement: ERCC2 is on the minus strand). VCF-style: chr19-45361584-C-A. GRCh37 (hg19) VCF-style: chr19-45864842-C-A.
Other names: c.1105G>T, p.Asp369Tyr (NM_001130867.2); short protein forms D393Y, D369Y.
Identifiers: ClinVar variation 1741125 (VCV001741125.2), dbSNP rs1486595851, ClinGen allele CA406369975.
Genomic context (GRCh38, chr19:45,361,584, plus strand): 5'-CTTTGGCGTAGGTGCTGACAAGGGTGGCAAAGTTAGCAAGGAGGGTGAGCGGGGAGAAGT[C>A]AGCAAGGTCGGTGATCTCCAGAGTATGCAGCAGGGACCGGAGGCGTTCAGCACAGAATCT-3'
Protein context (NP_000391.1, residues 383-403): LHTLEITDLA[Asp393Tyr]FSPLTLLANF

ClinVar aggregate classification (germline): Uncertain significance (1 of 4 stars; one submission).

Conditions:
Inborn genetic diseases. Identifiers: MedGen C0950123, MeSH D030342.

Submission:

Ambry Genetics
Classification: Uncertain significance for Inborn genetic diseases. Last evaluated: 2022-03-07. Review status: criteria provided, single submitter. Criteria: Ambry Variant Classification Scheme 2023. Collection method: clinical testing. Allele origin: germline.
Comment: The p.D393Y variant (also known as c.1177G>T), located in coding exon 12 of the ERCC2 gene, results from a G to T substitution at nucleotide position 1177. The aspartic acid at codon 393 is replaced by tyrosine, an amino acid with highly dissimilar properties. This amino acid position is conserved. In addition, this alteration is predicted to be deleterious by in silico analysis. Since supporting evidence is limited at this time, the clinical significance of this alteration remains unclear.